The following is an entry in ClinVar:

ClinVar aggregate classification (germline): Benign/Likely benign. Review status: criteria provided, multiple submitters, no conflicts (2 of 4 stars). 3 submissions from 3 submitters: Benign (1); Likely benign (2). Last evaluated 2026-04-29.

Conditions:
Colorectal cancer, hereditary nonpolyposis, type 7. Identifiers: Orphanet 144, MedGen C1858380, MONDO:0013725, OMIM 614385.

Allele frequency attached by ClinVar (database versions not stated): gnomAD exomes 0.00006 and 0.00002; gnomAD 0.00001 and 0.00002; TOPMed 0.00003; ExAC 0.00006.

Submissions (3):

Myriad Genetics, Inc.
Classification: Benign for Colorectal cancer, hereditary nonpolyposis, type 7. Last evaluated: 2026-04-29. Review status: criteria provided, single submitter. Criteria: Myriad Autosomal Dominant, Autosomal Recessive and X-Linked Classification Criteria (2023). Collection method: clinical testing. Allele origin: unknown.
Comment: This variant is considered benign. This variant is a silent/synonymous amino acid change and it is not expected to impact splicing.

Labcorp Genetics (formerly Invitae), Labcorp
Classification: Likely benign for Colorectal cancer, hereditary nonpolyposis, type 7. Last evaluated: 2025-05-27. Review status: criteria provided, single submitter. Criteria: Invitae Variant Classification Sherloc (09022015). Collection method: clinical testing. Allele origin: germline.

Ambry Genetics
Classification: Likely benign. Last evaluated: 2021-03-18. Review status: criteria provided, single submitter. Criteria: Ambry Variant Classification Scheme 2023. Collection method: clinical testing. Allele origin: germline.

NM_001040108.2(MLH3):c.618C>T (p.Asp206=)

Gene: MLH3 (mutL homolog 3; minus strand). Cytogenetic location: 14q24.3.
Variant type: single nucleotide variant.
Coding change: c.618C>T on transcript NM_001040108.2 (MANE Select); coding-DNA position 618, C replaced by T.
Protein change: p.Asp206=; no amino-acid change (aspartic acid 206 retained).
Molecular consequence: synonymous variant.
Genome position (GRCh38, 1-based): chr14:75,049,038, G>A on the plus strand (C>T on the coding strand, the complement: MLH3 is on the minus strand). VCF-style: chr14-75049038-G-A. GRCh37 (hg19) VCF-style: chr14-75515741-G-A.
Other names: c.618C>T, p.Asp206= (NM_014381.3).
Identifiers: ClinVar variation 1101994 (VCV001101994.12), dbSNP rs762968546, ClinGen allele CA7275999.